The following is an entry in ClinVar:

ClinVar aggregate classification (germline): Uncertain significance (1 of 4 stars; one submission).

gnomAD v4.1: 8 of 1,610,478 alleles (0.0005%); highest among the groups gnomAD compares: East Asian, 0.016%; no homozygotes.

Submission:

Labcorp Genetics (formerly Invitae), Labcorp
Classification: Uncertain significance. Last evaluated: 2025-04-22. Review status: criteria provided, single submitter. Criteria: Invitae Variant Classification Sherloc (09022015). Collection method: clinical testing. Allele origin: germline.
Comment: This sequence change replaces leucine, which is neutral and non-polar, with valine, which is neutral and non-polar, at codon 213 of the APOA1 protein (p.Leu213Val). This variant is present in population databases (rs762475205, gnomAD 0.04%). This variant has not been reported in the literature in individuals affected with APOA1-related conditions. Invitae Evidence Modeling of protein sequence and biophysical properties (such as structural, functional, and spatial information, amino acid conservation, physicochemical variation, residue mobility, and thermodynamic stability) has been performed for this missense variant. However, the output from this modeling did not meet the statistical confidence thresholds required to predict the impact of this variant on APOA1 protein function. In summary, the available evidence is currently insufficient to determine the role of this variant in disease. Therefore, it has been classified as a Variant of Uncertain Significance.

NM_000039.3(APOA1):c.637C>G (p.Leu213Val)

Gene: APOA1 (apolipoprotein A1; minus strand). Cytogenetic location: 11q23.3.
Variant type: single nucleotide variant.
Coding change: c.637C>G on transcript NM_000039.3 (MANE Select); coding-DNA position 637, C replaced by G.
Protein change: p.Leu213Val; replaces leucine 213 with valine.
Molecular consequence: missense variant.
Genome position (GRCh38, 1-based): chr11:116,835,975, G>C on the plus strand (C>G on the coding strand, the complement: APOA1 is on the minus strand). VCF-style: chr11-116835975-G-C. GRCh37 (hg19) VCF-style: chr11-116706691-G-C.
Other names: c.637C>G, p.Leu213Val (NM_001318017.2, NM_001318018.2, NM_001425090.1); c.310C>G, p.Leu104Val (NM_001318021.2, NM_001425091.1, NM_001425092.1); c.592C>G, p.Leu198Val (NM_001425093.1); short protein forms L198V, L213V, L104V.
Identifiers: ClinVar variation 4709841 (VCV004709841.1).